The following is an entry in ClinVar:

ClinVar aggregate classification (germline): Uncertain significance (1 of 4 stars; one submission).

Conditions:
Severe myoclonic epilepsy in infancy (DRVT). Also called: Dravet syndrome; Epileptic encephalopathy, early infantile, 6 (Dravet syndrome); DEVELOPMENTAL AND EPILEPTIC ENCEPHALOPATHY 6A; Severe Myoclonic Epilepsy in Infancy (SMEI); SEVERE MYOCLONIC EPILEPSY OF INFANCY. Identifiers: Orphanet 33069, MedGen C0751122, MONDO:0100135, OMIM 607208.

Submission:

MVZ Medizinische Genetik Mainz
Classification: Uncertain significance for Severe myoclonic epilepsy in infancy. Last evaluated: 2023-01-18. Review status: criteria provided, single submitter. Criteria: UK Practice Guidelines For Variant Classification V4 01 2020. Collection method: clinical testing. Allele origin: germline. Inheritance: Autosomal dominant inheritance. Affected: yes. Observed: 1 variant allele.
Comment: ACMG Criteria: PM1,PM2_SUP,PP3

NM_001165963.4(SCN1A):c.1108T>A (p.Trp370Arg)

Gene: SCN1A (sodium voltage-gated channel alpha subunit 1; minus strand). Cytogenetic location: 2q24.3.
Variant type: single nucleotide variant.
Coding change: c.1108T>A on transcript NM_001165963.4 (MANE Select); coding-DNA position 1108, T replaced by A.
Protein change: p.Trp370Arg; replaces tryptophan 370 with arginine.
Molecular consequence: missense variant. On other transcripts: 5 prime UTR variant (1), non-coding transcript variant (1).
Genome position (GRCh38, 1-based): chr2:166,047,689, A>T on the plus strand (T>A on the coding strand, the complement: SCN1A is on the minus strand). VCF-style: chr2-166047689-A-T. GRCh37 (hg19) VCF-style: chr2-166904199-A-T.
Other names: c.1108T>A, p.Trp370Arg (NM_001165964.3, NM_001202435.3, NM_001353948.2 and 10 more transcripts); c.-1318T>A (NM_001353961.2); short protein forms W370R.
Identifiers: ClinVar variation 3236143 (VCV003236143.1), dbSNP rs2468189402, ClinGen allele CA349071203.